The following is an entry in ClinVar:

ClinVar aggregate classification (germline): Conflicting classifications of pathogenicity. Review status: criteria provided, conflicting classifications (1 of 4 stars). 2 submissions from 2 submitters: Likely pathogenic (1); Uncertain significance (1). Last evaluated 2026-02-01.

Conditions:
Retinal dystrophy. Also called: Inherited retinal dystrophy. Identifiers: Orphanet 71862, MedGen C0854723, MeSH D058499, MONDO:0019118, HP:0000556.

Submissions (2):

CeGaT Center for Human Genetics Tuebingen
Classification: Likely pathogenic. Last evaluated: 2026-02-01. Review status: criteria provided, single submitter. Criteria: CeGaT Center For Human Genetics Tuebingen Variant Classification Criteria Version 2. Collection method: clinical testing. Allele origin: germline. Affected: yes. Observed: 1 variant allele.
Comment: LRAT: PVS1:Strong, PM2, PM3:Supporting

Dept Of Ophthalmology, Nagoya University
Classification: Uncertain significance for Retinal dystrophy. Last evaluated: 2023-10-01. Review status: criteria provided, single submitter. Criteria: Submitter's publication. Collection method: research. Allele origin: germline. Affected: yes.

NM_004744.5(LRAT):c.246_249del (p.Asp83fs)

Gene: LRAT (lecithin retinol acyltransferase; plus strand). Cytogenetic location: 4q32.1.
Variant type: Deletion.
Coding change: c.246_249del on transcript NM_004744.5 (MANE Select); coding-DNA positions 246 to 249, 4 bases deleted (AGAC; older notation c.246_249delAGAC).
Protein change: p.Asp83fs; shifts the reading frame from aspartic acid 83.
Molecular consequence: frameshift variant.
Genome position (GRCh38, 1-based): chr4:154,744,572-154,744,575, AGAC deleted; deleting any 4 consecutive bases within chr4:154,744,569-154,744,575 gives the same sequence; the c. name uses the placement nearest the transcript's 3' end. VCF-style (leftmost placement, unchanged base first): chr4-154744568-TGACA-T. GRCh37 (hg19) VCF-style: chr4-155665720-TGACA-T.
Other names: c.246_249del, p.Asp83fs (NM_001301645.2); c.246_249delAGAC (NM_004744.5); short protein forms D83fs.
Identifiers: ClinVar variation 3027680 (VCV003027680.5), dbSNP rs1560870826, ClinGen allele CA555973798.